The following is an entry in ClinVar:

ClinVar aggregate classification (germline): Uncertain significance (1 of 4 stars; one submission).

Allele frequency attached by ClinVar (database versions not stated): TOPMed below 0.00001; ExAC 0.00003.

Submission:

Labcorp Genetics (formerly Invitae), Labcorp
Classification: Uncertain significance. Last evaluated: 2025-06-12. Review status: criteria provided, single submitter. Criteria: Invitae Variant Classification Sherloc (09022015). Collection method: clinical testing. Allele origin: germline.
Comment: This sequence change replaces arginine, which is basic and polar, with cysteine, which is neutral and slightly polar, at codon 86 of the CD151 protein (p.Arg86Cys). This variant is present in population databases (rs767144167, gnomAD 0.01%). This variant has not been reported in the literature in individuals affected with CD151-related conditions. ClinVar contains an entry for this variant (Variation ID: 2963768). An algorithm developed to predict the effect of missense changes on protein structure and function (PolyPhen-2) suggests that this variant is likely to be disruptive. In summary, the available evidence is currently insufficient to determine the role of this variant in disease. Therefore, it has been classified as a Variant of Uncertain Significance.

NM_004357.5(CD151):c.256C>T (p.Arg86Cys)

Gene: CD151 (CD151 molecule (Raph blood group); plus strand). Cytogenetic location: 11p15.5.
Variant type: single nucleotide variant.
Coding change: c.256C>T on transcript NM_004357.5 (MANE Select); coding-DNA position 256, C replaced by T.
Protein change: p.Arg86Cys; replaces arginine 86 with cysteine.
Molecular consequence: missense variant.
Genome position (GRCh38, 1-based): chr11:836,422, C>T. VCF-style: chr11-836422-C-T. GRCh37 (hg19) VCF-style: chr11-836422-C-T.
Other names: c.256C>T, p.Arg86Cys (NM_001039490.2, NM_139029.2, NM_139030.4); short protein forms R86C.
Identifiers: ClinVar variation 2963768 (VCV002963768.3), dbSNP rs767144167, ClinGen allele CA5792104.
Genomic context (GRCh38, chr11:836,422, plus strand): 5'-GTGGCGGGCACTGTCGTCATGGTGACTGGGGTCTTGGGCTGCTGCGCCACCTTCAAGGAG[C>T]GTCGGAACCTGCTGCGCCTGGTCAGGAGGGCGCAGGGCCACGGGGTGGGGGTGGTGCAGA-3'
Protein context (NP_004348.2, residues 76-96): VLGCCATFKE[Arg86Cys]RNLLRLYFIL